The following is an entry in ClinVar:

NM_033056.4(PCDH15):c.4497C>T (p.Asp1499=)

Gene: PCDH15 (protocadherin related 15; minus strand). Cytogenetic location: 10q21.1.
Variant type: single nucleotide variant.
Coding change: c.4497C>T on transcript NM_033056.4 (MANE Plus Clinical); coding-DNA position 4497, C replaced by T.
Protein change: p.Asp1499=; no amino-acid change (aspartic acid 1499 retained).
Molecular consequence: synonymous variant. On other transcripts: intron variant (8).
Genome position (GRCh38, 1-based): chr10:53,823,229, G>A on the plus strand (C>T on the coding strand, the complement: PCDH15 is on the minus strand). VCF-style: chr10-53823229-G-A. GRCh37 (hg19) VCF-style: chr10-55582989-G-A.
Other names: c.4518C>T, p.Asp1506= (NM_001142763.2); c.4503C>T, p.Asp1501= (NM_001142764.2); c.4290C>T, p.Asp1430= (NM_001142765.2); c.4488C>T, p.Asp1496= (NM_001142766.2); c.4377C>T, p.Asp1459= (NM_001142767.2); c.4437C>T, p.Asp1479= (NM_001142768.2); c.4428C>T, p.Asp1476= (NM_001142773.2); c.4431C>T, p.Asp1477= (NM_001354404.2); and 6 more.
Identifiers: ClinVar variation 1119115 (VCV001119115.11), dbSNP rs376485360, ClinGen allele CA5505266.

ClinVar aggregate classification (germline): Likely benign. Review status: criteria provided, multiple submitters, no conflicts (2 of 4 stars). 3 submissions from 3 submitters: Likely benign (3). Last evaluated 2025-10-21.

Conditions:
PCDH15-related disorder. Also called: PCDH15-related condition; PCDH15-related disorders.

Allele frequency attached by ClinVar (database versions not stated): gnomAD 0.00002 and 0.00003; gnomAD exomes 0.00003 and 0.00004; ExAC 0.00006; ESP Exome Variant Server 0.00008; TOPMed 0.00003.
gnomAD v4.1: 49 of 1,613,836 alleles (0.003%); highest among the groups gnomAD compares: Middle Eastern, 0.016%; no homozygotes.

Submissions (3):

Labcorp Genetics (formerly Invitae), Labcorp
Classification: Likely benign. Last evaluated: 2025-10-21. Review status: criteria provided, single submitter. Criteria: Invitae Variant Classification Sherloc (09022015). Collection method: clinical testing. Allele origin: germline.

PreventionGenetics, part of Exact Sciences
Classification: Likely benign for PCDH15-related condition. Last evaluated: 2025-04-07. Review status: criteria provided, single submitter. Criteria: ACMG Guidelines, 2015. Collection method: clinical testing. Allele origin: germline.
Comment: This variant is classified as likely benign based on ACMG/AMP sequence variant interpretation guidelines (Richards et al. 2015 PMID: 25741868, with internal and published modifications).

Blueprint Genetics
Classification: Likely benign. Last evaluated: 2024-08-22. Review status: criteria provided, single submitter. Criteria: ACMG Guidelines, 2015. Collection method: clinical testing. Allele origin: germline.